The following is an entry in ClinVar:

NM_018706.7(DHTKD1):c.710C>T (p.Pro237Leu)

Gene: DHTKD1 (dehydrogenase E1 and transketolase domain containing 1; plus strand). Cytogenetic location: 10p14.
Variant type: single nucleotide variant.
Coding change: c.710C>T on transcript NM_018706.7 (MANE Select); coding-DNA position 710, C replaced by T.
Protein change: p.Pro237Leu; replaces proline 237 with leucine.
Molecular consequence: missense variant.
Genome position (GRCh38, 1-based): chr10:12,087,722, C>T. VCF-style: chr10-12087722-C-T. GRCh37 (hg19) VCF-style: chr10-12129721-C-T.
Other names: short protein forms P237L.
Identifiers: ClinVar variation 1921792 (VCV001921792.5), dbSNP rs2491475245, ClinGen allele CA376018333.

ClinVar aggregate classification (germline): Uncertain significance (1 of 4 stars; one submission).

Conditions:
2-aminoadipic 2-oxoadipic aciduria (AAKAD). Also called: ALPHA-AMINOADIPIC AND ALPHA-KETOADIPIC ACIDURIA; Aminoadipic aciduria. Identifiers: Orphanet 79154, MedGen C1859817, MONDO:0008774, OMIM 204750.

Submission:

Labcorp Genetics (formerly Invitae), Labcorp
Classification: Uncertain significance for 2-aminoadipic 2-oxoadipic aciduria. Last evaluated: 2025-07-23. Review status: criteria provided, single submitter. Criteria: Invitae Variant Classification Sherloc (09022015). Collection method: clinical testing. Allele origin: germline.
Comment: This sequence change replaces proline, which is neutral and non-polar, with leucine, which is neutral and non-polar, at codon 237 of the DHTKD1 protein (p.Pro237Leu). This variant is not present in population databases (gnomAD no frequency). This variant has not been reported in the literature in individuals affected with DHTKD1-related conditions. ClinVar contains an entry for this variant (Variation ID: 1921792). Invitae Evidence Modeling of protein sequence and biophysical properties (such as structural, functional, and spatial information, amino acid conservation, physicochemical variation, residue mobility, and thermodynamic stability) indicates that this missense variant is not expected to disrupt DHTKD1 protein function with a negative predictive value of 80%. In summary, the available evidence is currently insufficient to determine the role of this variant in disease. Therefore, it has been classified as a Variant of Uncertain Significance.